The following is an entry in ClinVar:

NM_182919.4(TICAM1):c.1442G>C (p.Gly481Ala)

Gene: TICAM1 (TIR domain containing adaptor molecule 1; minus strand). Cytogenetic location: 19p13.3.
Variant type: single nucleotide variant.
Coding change: c.1442G>C on transcript NM_182919.4 (MANE Select); coding-DNA position 1442, G replaced by C.
Protein change: p.Gly481Ala; replaces glycine 481 with alanine.
Molecular consequence: missense variant.
Genome position (GRCh38, 1-based): chr19:4,816,936, C>G on the plus strand (G>C on the coding strand, the complement: TICAM1 is on the minus strand). VCF-style: chr19-4816936-C-G. GRCh37 (hg19) VCF-style: chr19-4816948-C-G.
Other names: c.1400G>C, p.Gly467Ala (NM_001385678.1); c.1307G>C, p.Gly436Ala (NM_001385679.1); c.800G>C, p.Gly267Ala (NM_001385680.1); c.1442G>C (NM_182919.2); short protein forms G467A, G267A, G436A, G481A.
Identifiers: ClinVar variation 1985525 (VCV001985525.2), dbSNP rs750634396, ClinGen allele CA9105134.
Genomic context (GRCh38, chr19:4,816,936, plus strand): 5'-GAGCTGAGCTGGGCCGGGGAGCTCTCCAGGGGCAGGAAGGGGATGACACAGTCTGGCGAC[C>G]CCTGTCGCGTGAGGTTGCTCATCATGGCTTGGTTCACCTGGTGCAGGCTCAGGCGACAGT-3'
Protein context (NP_891549.1, residues 471-491): QAMMSNLTRQ[Gly481Ala]SPDCVIPFLP

ClinVar aggregate classification (germline): Uncertain significance. Review status: criteria provided, multiple submitters, no conflicts (2 of 4 stars). 2 submissions from 2 submitters: Uncertain significance (2). Last evaluated 2025-06-12.

Conditions:
Encephalopathy, acute, infection-induced (herpes-specific), susceptibility to, 6. Also called: Herpes simplex encephalitis, susceptibility to, 4. Identifiers: Orphanet 1930, MedGen C3553869, MONDO:0013921, OMIM 614850.

Allele frequency attached by ClinVar (database versions not stated): ExAC 0.00002; gnomAD exomes 0.00001; gnomAD 0.00001; TOPMed 0.00001.
gnomAD v4.1: 22 of 1,613,844 alleles (0.0014%); highest among the groups gnomAD compares: Non-Finnish European, 0.0016%; no homozygotes.

Submissions (2):

Ambry Genetics
Classification: Uncertain significance. Last evaluated: 2025-06-12. Review status: criteria provided, single submitter. Criteria: Ambry Variant Classification Scheme 2023. Collection method: clinical testing. Allele origin: germline.

Labcorp Genetics (formerly Invitae), Labcorp
Classification: Uncertain significance for Encephalopathy, acute, infection-induced (herpes-specific), susceptibility to, 6. Last evaluated: 2022-02-20. Review status: criteria provided, single submitter. Criteria: Invitae Variant Classification Sherloc (09022015). Collection method: clinical testing. Allele origin: germline.
Comment: This sequence change replaces glycine, which is neutral and non-polar, with alanine, which is neutral and non-polar, at codon 481 of the TICAM1 protein (p.Gly481Ala). This variant is present in population databases (rs750634396, gnomAD 0.01%). This variant has not been reported in the literature in individuals affected with TICAM1-related conditions. Algorithms developed to predict the effect of missense changes on protein structure and function (SIFT, PolyPhen-2, Align-GVGD) all suggest that this variant is likely to be tolerated. In summary, the available evidence is currently insufficient to determine the role of this variant in disease. Therefore, it has been classified as a Variant of Uncertain Significance.